The following is an entry in ClinVar:

ClinVar aggregate classification (germline): Uncertain significance (1 of 4 stars; one submission).

Conditions:
Inborn genetic diseases. Identifiers: MedGen C0950123, MeSH D030342.

gnomAD v4.1: 2 of 1,614,066 alleles (0.00012%); highest among the groups gnomAD compares: South Asian, 0.0011%; no homozygotes.

Submission:

Ambry Genetics
Classification: Uncertain significance for Inborn genetic diseases. Last evaluated: 2026-03-03. Review status: criteria provided, single submitter. Criteria: Ambry Variant Classification Scheme 2023. Collection method: clinical testing. Allele origin: germline.
Comment: The c.3309C>G (p.D1103E) alteration is located in exon 13 (coding exon 12) of the GRIN2B gene. This alteration results from a C to G substitution at nucleotide position 3309, causing the aspartic acid (D) at amino acid position 1103 to be replaced by a glutamic acid (E). Based on data from gnomAD, the G allele has an overall frequency of 0.001% (2/282740) total alleles studied. The highest observed frequency was 0.003% (1/30614) of South Asian alleles. Based on insufficient or conflicting evidence, the clinical significance of this alteration remains unclear.

NM_000834.5(GRIN2B):c.3309C>G (p.Asp1103Glu)

Gene: GRIN2B (glutamate ionotropic receptor NMDA type subunit 2B; minus strand). Cytogenetic location: 12p13.1.
Variant type: single nucleotide variant.
Coding change: c.3309C>G on transcript NM_000834.5 (MANE Select); coding-DNA position 3309, C replaced by G.
Protein change: p.Asp1103Glu; replaces aspartic acid 1103 with glutamic acid.
Molecular consequence: missense variant.
Genome position (GRCh38, 1-based): chr12:13,563,929, G>C on the plus strand (C>G on the coding strand, the complement: GRIN2B is on the minus strand). VCF-style: chr12-13563929-G-C. GRCh37 (hg19) VCF-style: chr12-13716863-G-C.
Other names: c.3309C>G, p.Asp1103Glu (NM_001413992.1); short protein forms D1103E.
Identifiers: ClinVar variation 4840951 (VCV004840951.1).